The following is an entry in ClinVar:

ClinVar aggregate classification (germline): Uncertain significance. Review status: criteria provided, multiple submitters, no conflicts (2 of 4 stars). 2 submissions from 2 submitters: Uncertain significance (2). Last evaluated 2024-06-18.

Conditions:
Hereditary cancer-predisposing syndrome. Also called: Hereditary Cancer Syndrome; Tumor predisposition; Hereditary neoplastic syndrome; Neoplastic Syndromes, Hereditary. Identifiers: Orphanet 140162, MedGen C0027672, MeSH D009386, MONDO:0015356.
Tuberous sclerosis 2 (TSC2). Identifiers: Orphanet 805, MedGen C1860707, MONDO:0013199, OMIM 613254.

Submissions (2):

Ambry Genetics
Classification: Uncertain significance for Hereditary cancer-predisposing syndrome. Last evaluated: 2024-06-18. Review status: criteria provided, single submitter. Criteria: Ambry Variant Classification Scheme 2023. Collection method: clinical testing. Allele origin: germline.
Comment: The p.T667R variant (also known as c.2000C>G), located in coding exon 18 of the TSC2 gene, results from a C to G substitution at nucleotide position 2000. The threonine at codon 667 is replaced by arginine, an amino acid with similar properties. This amino acid position is conserved. In addition, the in silico prediction for this alteration is inconclusive. Based on the available evidence, the clinical significance of this variant remains unclear.

Labcorp Genetics (formerly Invitae), Labcorp
Classification: Uncertain significance for Tuberous sclerosis 2. Last evaluated: 2023-07-16. Review status: criteria provided, single submitter. Criteria: Invitae Variant Classification Sherloc (09022015). Collection method: clinical testing. Allele origin: germline.
Comment: In summary, the available evidence is currently insufficient to determine the role of this variant in disease. Therefore, it has been classified as a Variant of Uncertain Significance. Algorithms developed to predict the effect of sequence changes on RNA splicing suggest that this variant may disrupt the consensus splice site. Advanced modeling of protein sequence and biophysical properties (such as structural, functional, and spatial information, amino acid conservation, physicochemical variation, residue mobility, and thermodynamic stability) performed at Invitae indicates that this missense variant is not expected to disrupt TSC2 protein function. This variant has not been reported in the literature in individuals affected with TSC2-related conditions. This variant is not present in population databases (gnomAD no frequency). This sequence change replaces threonine, which is neutral and polar, with arginine, which is basic and polar, at codon 667 of the TSC2 protein (p.Thr667Arg).

NM_000548.5(TSC2):c.2000C>G (p.Thr667Arg)

Gene: TSC2 (TSC complex subunit 2; plus strand). Cytogenetic location: 16p13.3.
Variant type: single nucleotide variant.
Coding change: c.2000C>G on transcript NM_000548.5 (MANE Select); coding-DNA position 2000, C replaced by G.
Protein change: p.Thr667Arg; replaces threonine 667 with arginine.
Molecular consequence: missense variant. On other transcripts: non-coding transcript variant (5).
Genome position (GRCh38, 1-based): chr16:2,071,837, C>G. VCF-style: chr16-2071837-C-G. GRCh37 (hg19) VCF-style: chr16-2121838-C-G.
Other names: c.2000C>G, p.Thr667Arg (NM_001077183.3, NM_001114382.3, NM_001363528.2 and 6 more transcripts); c.1889C>G, p.Thr630Arg (NM_001318827.2, NM_001406670.1, NM_001406678.1); c.1853C>G, p.Thr618Arg (NM_001318829.2, NM_001406675.1, NM_001406676.1 and 1 more transcripts); c.1400C>G, p.Thr467Arg (NM_001318831.2, NM_001406680.1, NM_001406682.1 and 6 more transcripts); c.2033C>G, p.Thr678Arg (NM_001318832.2); c.2090C>G, p.Thr697Arg (NM_001406667.1, NM_001406668.1); c.1988C>G, p.Thr663Arg (NM_001406671.1, NM_001406673.1); c.1943C>G, p.Thr648Arg (NM_001406677.1); and 3 more; short protein forms T133R, T219R, T630R, T697R, T467R, T618R, T667R, T678R.
Identifiers: ClinVar variation 2743653 (VCV002743653.4), dbSNP rs781533796, ClinGen allele CA394274439.